The following is an entry in ClinVar:

ClinVar aggregate classification (germline): Uncertain significance (1 of 4 stars; one submission).

Conditions:
Inborn genetic diseases. Identifiers: MedGen C0950123, MeSH D030342.

Submission:

Ambry Genetics
Classification: Uncertain significance for Inborn genetic diseases. Last evaluated: 2026-04-15. Review status: criteria provided, single submitter. Criteria: Ambry Variant Classification Scheme 2023. Collection method: clinical testing. Allele origin: germline.
Comment: The p.F617C variant (also known as c.1850T>G), located in coding exon 15 of the BUB1B gene, results from a T to G substitution at nucleotide position 1850. The phenylalanine at codon 617 is replaced by cysteine, an amino acid with highly dissimilar properties. This amino acid position is conserved. In addition, this alteration is predicted to be tolerated by in silico analysis. Based on the available evidence, the clinical significance of this variant remains unclear.

NM_001211.6(BUB1B):c.1850T>G (p.Phe617Cys)

Gene: BUB1B (BUB1 mitotic checkpoint serine/threonine kinase B; plus strand). Cytogenetic location: 15q15.1.
Variant type: single nucleotide variant.
Coding change: c.1850T>G on transcript NM_001211.6 (MANE Select); coding-DNA position 1850, T replaced by G.
Protein change: p.Phe617Cys; replaces phenylalanine 617 with cysteine.
Molecular consequence: missense variant.
Genome position (GRCh38, 1-based): chr15:40,206,299, T>G. VCF-style: chr15-40206299-T-G. GRCh37 (hg19) VCF-style: chr15-40498500-T-G.
Other names: short protein forms F617C.
Identifiers: ClinVar variation 4867995 (VCV004867995.1).
Genomic context (GRCh38, chr15:40,206,299, plus strand): 5'-GAAATGTAACAATTTGTCCTAACCCAGAAGACACTTGTGACTTTGCCAGAGCAGCTCGTT[T>G]TGTATCCACTCCTTTTCATGAGATAATGTCCTTGAAGGATCTCCCTTCTGATCCTGAGAG-3'
Protein context (NP_001202.5, residues 607-627): DTCDFARAAR[Phe617Cys]VSTPFHEIMS